The following is an entry in ClinVar:

NM_198576.4(AGRN):c.4790G>C (p.Cys1597Ser)

Gene: AGRN (agrin; plus strand). Cytogenetic location: 1p36.33.
Variant type: single nucleotide variant.
Coding change: c.4790G>C on transcript NM_198576.4 (MANE Select); coding-DNA position 4790, G replaced by C.
Protein change: p.Cys1597Ser; replaces cysteine 1597 with serine.
Molecular consequence: missense variant.
Genome position (GRCh38, 1-based): chr1:1,049,948, G>C. VCF-style: chr1-1049948-G-C. GRCh37 (hg19) VCF-style: chr1-985328-G-C.
Other names: c.4790G>C (NM_198576.3); c.4790G>C, p.Cys1597Ser (NM_001305275.2); c.4475G>C, p.Cys1492Ser (NM_001364727.2); short protein forms C1597S, C1492S.
Identifiers: ClinVar variation 1047145 (VCV001047145.9), dbSNP rs376955370, ClinGen allele CA16700794.
Genomic context (GRCh38, chr1:1,049,948, plus strand): 5'-TCTTCCTCCATCCAGGACCAACCTGTGCCGATGAGAAGAGCCCCTGCCAGCCCAACCCCT[G>C]CCATGGGGCGGCGCCCTGCCGTGTGCTGCCCGAGGGTGGTGCTCAGTGCGAGTGCCCCCT-3'
Protein context (NP_940978.2, residues 1587-1607): DEKSPCQPNP[Cys1597Ser]HGAAPCRVLP

ClinVar aggregate classification (germline): Uncertain significance. Review status: criteria provided, multiple submitters, no conflicts (2 of 4 stars). 2 submissions from 2 submitters: Uncertain significance (2). Last evaluated 2024-08-05.

Conditions:
Inborn genetic diseases. Identifiers: MedGen C0950123, MeSH D030342.
Congenital myasthenic syndrome 8. Also called: MYASTHENIC SYNDROME, CONGENITAL, DUE TO AGRIN DEFICIENCY; Myasthenic syndrome, congenital, 8, with pre- and postsynaptic defects. Identifiers: Orphanet 590, MedGen C3808739, MONDO:0014052, OMIM 615120.

Allele frequency attached by ClinVar (database versions not stated): TOPMed 0.00003; ESP Exome Variant Server 0.00008.
gnomAD v4.1: 4 of 1,612,152 alleles (0.00025%); highest among the groups gnomAD compares: Non-Finnish European, 0.00034%; no homozygotes.

Submissions (2):

Ambry Genetics
Classification: Uncertain significance for Inborn genetic diseases. Last evaluated: 2024-08-05. Review status: criteria provided, single submitter. Criteria: Ambry Variant Classification Scheme 2023. Collection method: clinical testing. Allele origin: germline.

Labcorp Genetics (formerly Invitae), Labcorp
Classification: Uncertain significance for Congenital myasthenic syndrome 8. Last evaluated: 2022-08-15. Review status: criteria provided, single submitter. Criteria: Invitae Variant Classification Sherloc (09022015). Collection method: clinical testing. Allele origin: germline.
Comment: This variant has not been reported in the literature in individuals affected with AGRN-related conditions. This variant is not present in population databases (gnomAD no frequency). This sequence change replaces cysteine, which is neutral and slightly polar, with serine, which is neutral and polar, at codon 1597 of the AGRN protein (p.Cys1597Ser). ClinVar contains an entry for this variant (Variation ID: 1047145). In summary, the available evidence is currently insufficient to determine the role of this variant in disease. Therefore, it has been classified as a Variant of Uncertain Significance. Algorithms developed to predict the effect of missense changes on protein structure and function are either unavailable or do not agree on the potential impact of this missense change (SIFT: "Deleterious"; PolyPhen-2: "Probably Damaging"; Align-GVGD: "Class C0").